The following is an entry in ClinVar:

NM_001458.5(FLNC):c.7795G>A (p.Gly2599Arg)

Genes: FLNC (filamin C; plus strand), FLNC-AS1 (FLNC antisense RNA 1; minus strand). Cytogenetic location: 7q32.1.
Variant type: single nucleotide variant.
Coding change: c.7795G>A on transcript NM_001458.5 (MANE Select); coding-DNA position 7795, G replaced by A.
Protein change: p.Gly2599Arg; replaces glycine 2599 with arginine.
Molecular consequence: missense variant.
Genome position (GRCh38, 1-based): chr7:128,858,022, G>A. VCF-style: chr7-128858022-G-A. GRCh37 (hg19) VCF-style: chr7-128498076-G-A.
Other names: c.7696G>A, p.Gly2566Arg (NM_001127487.2); short protein forms G2566R, G2599R.
Identifiers: ClinVar variation 1217431 (VCV001217431.9), dbSNP rs1389561527, ClinGen allele CA369220024.
Genomic context (GRCh38, chr7:128,858,022, plus strand): 5'-GGAAGCCCTTCTGACTAGGTTTGTGCCCCCTCCACCCACCCCTCAGGTCCGAGGCTGTCC[G>A]GAGGCCACAGCCTTCACGAAACATCCACGGTTCTGGTGGAGACTGTGACCAAGTCCTCCT-3'
Protein context (NP_001449.3, residues 2589-2609): KAKVTGPRLS[Gly2599Arg]GHSLHETSTV

ClinVar aggregate classification (germline): Uncertain significance. Review status: criteria provided, multiple submitters, no conflicts (2 of 4 stars). 6 submissions from 6 submitters: Uncertain significance (6). Last evaluated 2025-06-11.

Conditions:
Cardiovascular phenotype. Identifiers: MedGen CN230736.
Hypertrophic cardiomyopathy 26. Also called: Cardiomyopathy, familial hypertrophic, 26. Identifiers: Orphanet 75249, MedGen C4310749, MONDO:0014883, OMIM 617047.
Myofibrillar myopathy 5. Also called: Filaminopathy (type); FILAMINOPATHY, AUTOSOMAL DOMINANT. Identifiers: Orphanet 171445, MedGen C1836050, MONDO:0012289, OMIM 609524.
Distal myopathy with posterior leg and anterior hand involvement. Also called: WILLIAMS DISTAL MYOPATHY. Identifiers: Orphanet 63273, MedGen C3279722, MONDO:0013550, OMIM 614065.

Allele frequency attached by ClinVar (database versions not stated): gnomAD 0.00001; gnomAD exomes 0.00001.

Submissions (6):

Labcorp Genetics (formerly Invitae), Labcorp
Classification: Uncertain significance for Distal myopathy with posterior leg and anterior hand involvement; Myofibrillar myopathy 5; Hypertrophic cardiomyopathy 26. Last evaluated: 2025-06-11. Review status: criteria provided, single submitter. Criteria: Invitae Variant Classification Sherloc (09022015). Collection method: clinical testing. Allele origin: germline.
Comment: This sequence change replaces glycine, which is neutral and non-polar, with arginine, which is basic and polar, at codon 2599 of the FLNC protein (p.Gly2599Arg). The frequency data for this variant in the population databases is considered unreliable, as metrics indicate poor data quality at this position in the gnomAD database. This variant has not been reported in the literature in individuals affected with FLNC-related conditions. ClinVar contains an entry for this variant (Variation ID: 1217431). An algorithm developed to predict the effect of missense changes on protein structure and function (PolyPhen-2) suggests that this variant is likely to be disruptive. In summary, the available evidence is currently insufficient to determine the role of this variant in disease. Therefore, it has been classified as a Variant of Uncertain Significance.

Revvity Omics, Revvity
Classification: Uncertain significance. Last evaluated: 2024-08-30. Review status: criteria provided, single submitter. Criteria: ACMG Guidelines, 2015. Collection method: clinical testing. Allele origin: germline.

Ambry Genetics
Classification: Uncertain significance for Cardiovascular phenotype. Last evaluated: 2024-03-05. Review status: criteria provided, single submitter. Criteria: Ambry Variant Classification Scheme 2023. Collection method: clinical testing. Allele origin: germline.
Comment: The p.G2599R variant (also known as c.7795G>A), located in coding exon 47 of the FLNC gene, results from a G to A substitution at nucleotide position 7795. The glycine at codon 2599 is replaced by arginine, an amino acid with dissimilar properties. This amino acid position is conserved. In addition, the in silico prediction for this alteration is inconclusive. Since supporting evidence is limited at this time, the clinical significance of this alteration remains unclear.

Blueprint Genetics
Classification: Uncertain significance. Last evaluated: 2022-11-30. Review status: criteria provided, single submitter. Criteria: ACMG Guidelines, 2015. Collection method: clinical testing. Allele origin: germline.

Victorian Clinical Genetics Services, Murdoch Childrens Research Institute
Classification: Uncertain significance for Hypertrophic cardiomyopathy 26. Last evaluated: 2022-02-02. Review status: criteria provided, single submitter. Criteria: ACMG Guidelines, 2015. Collection method: clinical testing. Allele origin: germline. Inheritance: Autosomal dominant inheritance. Affected: yes.
Comment: Based on the classification scheme VCGS_Germline_v1.3.4, this variant is classified as VUS-3B. Following criteria are met: 0103 - Loss of function and gain of function are known mechanisms of disease in this gene. Loss of function is the established mechanism of disease for variants in dilated cardiomyopathy, hypertrophic cardiomyopathy, restrictive cardiomyopathy (MIM#617047) and myofibrillar myopathy (MIM#609524). In distal myopathy (MIM#614065), NMD-predicted variants cause a loss of function, however missense variants have been shown to result in a toxic gain of function (PMID: 32112656). (I) 0107 - This gene is associated with autosomal dominant disease. Variants located throughout the gene that are predicted to result in nonsense-mediated decay (NMD) are enriched in dilated cardiomyopathy, whereas missense variants in the ROD2 domain are enriched in hypertrophic cardiomyopathy and restrictive cardiomyopathy (MIM#617047). Additionally, myofibrillar myopathy (MIM#609524) is known to result from either missense variants in the ROD2 domain or truncating variants in the Ig-like domain 24, while missense variants in the actin-binding domain and NMD-predicted variants located in the Ig-like domain 15 and have been reported for distal myopathy (MIM#614065) (PMID: 32112656). 0200 - Variant is predicted to result in a missense amino acid change from glycine to arginine. (I) 0251 - This variant is heterozygous. (I) 0302 - Variant is present in gnomAD (v2) <0.001 for a dominant condition (1 heterozygote, 0 homozygotes). (SP) 0502 - Missense variant with conflicting in silico predictions and uninformative conservation. (I) 0600 - Variant is located in the annotated 2nd hinge domain between Ig-like domains 23 and 24 (PDB, PMID: 23109048). (I) 0705 - No comparable missense variants have previous evidence for pathogenicity. (I) 0807 - This variant has no previous evidence of pathogenicity. (I) 0905 - No published segregation evidence has been identified for this variant. (I) 1007 - No published functional evidence has been identified for this variant. (I) Legend: (SP) - Supporting pathogenic, (I) - Information, (SB) - Supporting benign

GeneDx
Classification: Uncertain significance. Last evaluated: 2019-04-26. Review status: criteria provided, single submitter. Criteria: GeneDx Variant Classification Process June 2021. Collection method: clinical testing. Allele origin: germline. Affected: yes.
Comment: Not observed in large population cohorts (Lek et al., 2016); In silico analysis, which includes protein predictors and evolutionary conservation, supports that this variant does not alter protein structure/function; Has not been previously published as pathogenic or benign to our knowledge

Literature cited by the submitters: PubMed 23109048 (cited by Victorian Clinical Genetics Services, Murdoch Childrens Research Institute); PubMed 32112656 (cited by Victorian Clinical Genetics Services, Murdoch Childrens Research Institute).